The following is an entry in ClinVar:

NM_001853.4(COL9A3):c.799C>T (p.Arg267Ter)

Gene: COL9A3 (collagen type IX alpha 3 chain; plus strand). Cytogenetic location: 20q13.33.
Variant type: single nucleotide variant.
Coding change: c.799C>T on transcript NM_001853.4 (MANE Select); coding-DNA position 799, C replaced by T.
Protein change: p.Arg267Ter; replaces arginine 267 with a stop codon.
Molecular consequence: nonsense.
Genome position (GRCh38, 1-based): chr20:62,827,247, C>T. VCF-style: chr20-62827247-C-T. GRCh37 (hg19) VCF-style: chr20-61458599-C-T.
Other names: short protein forms R267*.
Identifiers: ClinVar variation 3031298 (VCV003031298.5), dbSNP rs1423359801, ClinGen allele CA409592445.

ClinVar aggregate classification (germline): Pathogenic/Likely pathogenic. Review status: criteria provided, multiple submitters, no conflicts (2 of 4 stars). 2 submissions from 2 submitters: Pathogenic (1); Likely pathogenic (1). Last evaluated 2025-09-12.

Conditions:
COL9A3-related disorder. Also called: COL9A3-related condition.

Allele frequency attached by ClinVar (database versions not stated): gnomAD 0.00001.
gnomAD v4.1: 8 of 1,613,138 alleles (0.0005%); highest among the groups gnomAD compares: East Asian, 0.0022%; no homozygotes.

Submissions (2):

PreventionGenetics, part of Exact Sciences
Classification: Likely pathogenic for COL9A3-related condition. Last evaluated: 2025-09-12. Review status: criteria provided, single submitter. Criteria: ACMG Guidelines, 2015. Collection method: clinical testing. Allele origin: germline.
Comment: The COL9A3 c.799C>T variant is predicted to result in premature protein termination (p.Arg267*). This variant was reported in the heterozygous state in an individual with normal hearing at birth (Table S5, Hao et al. 2025. PubMed ID: 39443691). This variant is reported in 0.012% of alleles in individuals of African descent in gnomAD. Nonsense variants in COL9A3 are expected to be pathogenic. This variant is interpreted as likely pathogenic.

Labcorp Genetics (formerly Invitae), Labcorp
Classification: Pathogenic. Last evaluated: 2024-02-17. Review status: criteria provided, single submitter. Criteria: Invitae Variant Classification Sherloc (09022015). Collection method: clinical testing. Allele origin: germline.
Comment: This sequence change creates a premature translational stop signal (p.Arg267*) in the COL9A3 gene. It is expected to result in an absent or disrupted protein product. Loss-of-function variants in COL9A3 are known to be pathogenic (PMID: 24273071, 31090205). This variant is present in population databases (no rsID available, gnomAD 0.01%). This variant has not been reported in the literature in individuals affected with COL9A3-related conditions. For these reasons, this variant has been classified as Pathogenic.

Literature cited by the submitters: PubMed 24273071 (cited by Labcorp Genetics (formerly Invitae), Labcorp); PubMed 31090205 (cited by Labcorp Genetics (formerly Invitae), Labcorp).